The following is an entry in ClinVar:

ClinVar aggregate classification (germline): Benign. Review status: criteria provided, multiple submitters, no conflicts (2 of 4 stars). 2 submissions from 2 submitters: Benign (2). Last evaluated 2018-06-14.

Allele frequency attached by ClinVar (database versions not stated): gnomAD exomes 0.65156; gnomAD 0.67194 and 0.67237; TOPMed 0.68759; 1000 Genomes Project 0.71026; 1000 Genomes Project 30x 0.71471.
gnomAD v4.1: 431,789 of 658,144 alleles (66%); highest among the groups gnomAD compares: East Asian, 81%; 143,937 homozygotes.

Submissions (2):

GeneDx
Classification: Benign. Last evaluated: 2018-06-14. Review status: criteria provided, single submitter. Criteria: GeneDx Variant Classification (06012015). Collection method: clinical testing. Allele origin: germline. Affected: yes.
Comment: This variant is considered likely benign or benign based on one or more of the following criteria: it is a conservative change, it occurs at a poorly conserved position in the protein, it is predicted to be benign by multiple in silico algorithms, and/or has population frequency not consistent with disease.

Breakthrough Genomics
Classification: Benign. Review status: criteria provided, single submitter. Criteria: ACMG Guidelines, 2015. Collection method: not provided. Allele origin: germline. Inheritance: Autosomal dominant inheritance. Affected: yes.

NM_005902.4(SMAD3):c.533-187C>T

Gene: SMAD3 (SMAD family member 3; plus strand). Cytogenetic location: 15q22.33.
Variant type: single nucleotide variant.
Coding change: c.533-187C>T on transcript NM_005902.4 (MANE Select); 187 bases into the intron before coding-DNA position 533, C replaced by T.
Molecular consequence: intron variant.
Genome position (GRCh38, 1-based): chr15:67,166,592, C>T. VCF-style: chr15-67166592-C-T. GRCh37 (hg19) VCF-style: chr15-67458930-C-T.
Other names: c.218-187C>T (NM_001145102.2); c.401-187C>T (NM_001145103.2); c.-53-187C>T (NM_001145104.2).
Identifiers: ClinVar variation 672364 (VCV000672364.2), dbSNP rs7179840, ClinGen allele CA14104818.